The following is an entry in ClinVar:

NM_002691.4(POLD1):c.433G>C (p.Ala145Pro)

Gene: POLD1 (DNA polymerase delta 1, catalytic subunit; plus strand). Cytogenetic location: 19q13.33.
Variant type: single nucleotide variant.
Coding change: c.433G>C on transcript NM_002691.4 (MANE Select); coding-DNA position 433, G replaced by C.
Protein change: p.Ala145Pro; replaces alanine 145 with proline.
Molecular consequence: missense variant. On other transcripts: non-coding transcript variant (1).
Genome position (GRCh38, 1-based): chr19:50,401,894, G>C. VCF-style: chr19-50401894-G-C. GRCh37 (hg19) VCF-style: chr19-50905151-G-C.
Other names: c.433G>C, p.Ala145Pro (NM_001256849.1, NM_001308632.1, NM_001438210.1 and 3 more transcripts); short protein forms A145P.
Identifiers: ClinVar variation 4668677 (VCV004668677.1).

ClinVar aggregate classification (germline): Uncertain significance (1 of 4 stars; one submission).

Conditions:
Hereditary cancer-predisposing syndrome. Also called: Neoplastic Syndromes, Hereditary; Tumor predisposition; Hereditary Cancer Syndrome; Hereditary neoplastic syndrome. Identifiers: Orphanet 140162, MedGen C0027672, MeSH D009386, MONDO:0015356.

gnomAD v4.1: 1 of 1,613,948 alleles (0.000062%); highest among the groups gnomAD compares: Non-Finnish European, 0.000085%; no homozygotes.

Submission:

Ambry Genetics
Classification: Uncertain significance for Hereditary cancer-predisposing syndrome. Last evaluated: 2025-10-27. Review status: criteria provided, single submitter. Criteria: Ambry Variant Classification Scheme 2023. Collection method: clinical testing. Allele origin: germline.
Comment: The p.A145P variant (also known as c.433G>C), located in coding exon 3 of the POLD1 gene, results from a G to C substitution at nucleotide position 433. The alanine at codon 145 is replaced by proline, an amino acid with highly similar properties. This amino acid position is well conserved in available vertebrate species. In addition, this alteration is predicted to be tolerated by in silico analysis. Based on the available evidence, the clinical significance of this variant remains unclear.